The following is an entry in ClinVar:

NM_020975.6(RET):c.2287A>G (p.Asn763Asp)

Gene: RET (ret proto-oncogene; plus strand). Cytogenetic location: 10q11.21.
Variant type: single nucleotide variant.
Coding change: c.2287A>G on transcript NM_020975.6 (MANE Select); coding-DNA position 2287, A replaced by G.
Protein change: p.Asn763Asp; replaces asparagine 763 with aspartic acid.
Molecular consequence: missense variant.
Genome position (GRCh38, 1-based): chr10:43,118,375, A>G. VCF-style: chr10-43118375-A-G. GRCh37 (hg19) VCF-style: chr10-43613823-A-G.
Other names: c.2287A>G, p.Asn763Asp (NM_000323.2, NM_001406743.1, NM_001406744.1 and 4 more transcripts); c.1525A>G, p.Asn509Asp (NM_001355216.2); c.2158A>G, p.Asn720Asp (NM_001406761.1, NM_001406762.1, NM_001406764.1); c.2152A>G, p.Asn718Asp (NM_001406763.1, NM_001406765.1); c.1999A>G, p.Asn667Asp (NM_001406766.1, NM_001406767.1, NM_001406770.1); c.2023A>G, p.Asn675Asp (NM_001406768.1); c.1891A>G, p.Asn631Asp (NM_001406769.1, NM_001406772.1); c.1849A>G, p.Asn617Asp (NM_001406771.1, NM_001406773.1); and 10 more; short protein forms N763D, N509D, N718D, N720D, N328D, N433D, N521D, N617D.
Identifiers: ClinVar variation 241345 (VCV000241345.15), dbSNP rs878855060, ClinGen allele CA10582723.

ClinVar aggregate classification (germline): Uncertain significance. Review status: criteria provided, multiple submitters, no conflicts (2 of 4 stars). 2 submissions from 2 submitters: Uncertain significance (2). Last evaluated 2025-04-22.

Conditions:
Multiple endocrine neoplasia, type 2 (MEN2). Identifiers: Orphanet 653, MedGen C4048306, MONDO:0019003. Disease mechanism: gain of function.
Hereditary cancer-predisposing syndrome. Also called: Tumor predisposition; Neoplastic Syndromes, Hereditary; Hereditary Cancer Syndrome; Hereditary neoplastic syndrome. Identifiers: Orphanet 140162, MedGen C0027672, MeSH D009386, MONDO:0015356.

Submissions (2):

Labcorp Genetics (formerly Invitae), Labcorp
Classification: Uncertain significance for Multiple endocrine neoplasia, type 2. Last evaluated: 2025-04-22. Review status: criteria provided, single submitter. Criteria: Invitae Variant Classification Sherloc (09022015). Collection method: clinical testing. Allele origin: germline.
Comment: This sequence change replaces asparagine, which is neutral and polar, with aspartic acid, which is acidic and polar, at codon 763 of the RET protein (p.Asn763Asp). This variant is not present in population databases (gnomAD no frequency). This variant has not been reported in the literature in individuals affected with RET-related conditions. ClinVar contains an entry for this variant (Variation ID: 241345). An algorithm developed to predict the effect of missense changes on protein structure and function (PolyPhen-2) suggests that this variant is likely to be tolerated. In summary, the available evidence is currently insufficient to determine the role of this variant in disease. Therefore, it has been classified as a Variant of Uncertain Significance.

Ambry Genetics
Classification: Uncertain significance for Hereditary cancer-predisposing syndrome. Last evaluated: 2024-05-27. Review status: criteria provided, single submitter. Criteria: Ambry Variant Classification Scheme 2023. Collection method: clinical testing. Allele origin: germline.
Comment: The p.N763D variant (also known as c.2287A>G), located in coding exon 13 of the RET gene, results from an A to G substitution at nucleotide position 2287. The asparagine at codon 763 is replaced by aspartic acid, an amino acid with highly similar properties. This amino acid position is well conserved in available vertebrate species. In addition, the in silico prediction for this alteration is inconclusive. Since supporting evidence is limited at this time, the clinical significance of this alteration remains unclear.